The following is an entry in ClinVar:

NM_000488.4(SERPINC1):c.1267G>A (p.Ala423Thr)

Gene: SERPINC1 (serpin family C member 1; minus strand). Cytogenetic location: 1q25.1.
Variant type: single nucleotide variant.
Coding change: c.1267G>A on transcript NM_000488.4 (MANE Select); coding-DNA position 1267, G replaced by A.
Protein change: p.Ala423Thr; replaces alanine 423 with threonine.
Molecular consequence: missense variant.
Genome position (GRCh38, 1-based): chr1:173,904,017, C>T on the plus strand (G>A on the coding strand, the complement: SERPINC1 is on the minus strand). VCF-style: chr1-173904017-C-T. GRCh37 (hg19) VCF-style: chr1-173873155-C-T.
Other names: c.1123G>A, p.Ala375Thr (NM_001365052.2); c.1390G>A, p.Ala464Thr (NM_001386302.1); c.1348G>A, p.Ala450Thr (NM_001386303.1); c.1246G>A, p.Ala416Thr (NM_001386304.1); c.1210G>A, p.Ala404Thr (NM_001386305.1); c.1051G>A, p.Ala351Thr (NM_001386306.1); short protein forms A351T, A423T, A375T, A404T, A464T, A450T, A416T.
Identifiers: ClinVar variation 1382422 (VCV001382422.6), dbSNP rs1008874845, ClinGen allele CA32777281.

ClinVar aggregate classification (germline): Uncertain significance (1 of 4 stars; one submission).

Conditions:
Hereditary antithrombin deficiency (AT3D). Also called: Reduced antithrombin III activity; Thrombophilia due to antithrombin III deficiency; Antithrombin III deficiency; Antithrombin deficiency. Identifiers: Orphanet 82, MedGen C0272375, MONDO:0013144, OMIM 613118, HP:0001976.

Allele frequency attached by ClinVar (database versions not stated): gnomAD exomes below 0.00001; TOPMed below 0.00001.
gnomAD v4.1: 8 of 1,614,198 alleles (0.0005%); highest among the groups gnomAD compares: Middle Eastern, 0.016%; no homozygotes.

Submission:

Labcorp Genetics (formerly Invitae), Labcorp
Classification: Uncertain significance for Hereditary antithrombin deficiency. Last evaluated: 2023-12-21. Review status: criteria provided, single submitter. Criteria: Invitae Variant Classification Sherloc (09022015). Collection method: clinical testing. Allele origin: germline.
Comment: This sequence change replaces alanine, which is neutral and non-polar, with threonine, which is neutral and polar, at codon 423 of the SERPINC1 protein (p.Ala423Thr). This variant is present in population databases (no rsID available, gnomAD 0.0009%). This missense change has been observed in individual(s) with SERPINC1-related conditions (PMID: 25312341). This variant is also known as p.A391T. ClinVar contains an entry for this variant (Variation ID: 1382422). Advanced modeling of protein sequence and biophysical properties (such as structural, functional, and spatial information, amino acid conservation, physicochemical variation, residue mobility, and thermodynamic stability) performed at Invitae indicates that this missense variant is not expected to disrupt SERPINC1 protein function with a negative predictive value of 80%. Experimental studies have shown that this missense change affects SERPINC1 function (PMID: 25312341). In summary, the available evidence is currently insufficient to determine the role of this variant in disease. Therefore, it has been classified as a Variant of Uncertain Significance.

Literature cited by the submitters: PubMed 25312341.